The following is an entry in ClinVar:

NM_033056.4(PCDH15):c.5416C>T (p.Pro1806Ser)

Gene: PCDH15 (protocadherin related 15; minus strand). Cytogenetic location: 10q21.1.
Variant type: single nucleotide variant.
Coding change: c.5416C>T on transcript NM_033056.4 (MANE Plus Clinical); coding-DNA position 5416, C replaced by T.
Protein change: p.Pro1806Ser; replaces proline 1806 with serine.
Molecular consequence: missense variant. On other transcripts: intron variant (8).
Genome position (GRCh38, 1-based): chr10:53,822,310, G>A on the plus strand (C>T on the coding strand, the complement: PCDH15 is on the minus strand). VCF-style: chr10-53822310-G-A. GRCh37 (hg19) VCF-style: chr10-55582070-G-A.
Other names: c.5437C>T, p.Pro1813Ser (NM_001142763.2); c.5422C>T, p.Pro1808Ser (NM_001142764.2); c.5209C>T, p.Pro1737Ser (NM_001142765.2); c.5407C>T, p.Pro1803Ser (NM_001142766.2); c.5296C>T, p.Pro1766Ser (NM_001142767.2); c.5356C>T, p.Pro1786Ser (NM_001142768.2); c.5347C>T, p.Pro1783Ser (NM_001142773.2); c.5350C>T, p.Pro1784Ser (NM_001354404.2); and 7 more; short protein forms P1766S, P1784S, P1786S, P1806S, P1808S, P1737S, P1783S, P1803S.
Identifiers: ClinVar variation 954494 (VCV000954494.7), dbSNP rs750061228, ClinGen allele CA5505041.
Genomic context (GRCh38, chr10:53,822,310, plus strand): 5'-GAATAGAAGGAGGTGGTGGAGGAAGAGGAGTTGGAAATGGAGGTAGAAGAGGTGGTGTTG[G>A]GGGACCAGACGTTGAAACGGAAAGTGGAAAAAATGTAGGAGGAGGAAGAGGAAGAGGGAT-3'
Protein context (NP_149045.3, residues 1796-1816): FPLSVSTSGP[Pro1806Ser]TPPLLPPFPT

ClinVar aggregate classification (germline): Uncertain significance. Review status: criteria provided, multiple submitters, no conflicts (2 of 4 stars). 4 submissions from 4 submitters: Uncertain significance (3). 1 of the submissions does not count toward it. Last evaluated 2026-06-20.

Conditions:
PCDH15-related disorder. Also called: PCDH15-related condition; PCDH15-related disorders.
Usher syndrome type 1F (USH1F). Also called: USHER SYNDROME, TYPE IF. Identifiers: Orphanet 231169, Orphanet 886, MedGen C1865885, MONDO:0011186, OMIM 602083.

Allele frequency attached by ClinVar (database versions not stated): ExAC 0.00001; gnomAD exomes 0.00001 and below 0.00001; gnomAD 0.00003 and 0.00002; TOPMed 0.00003.
gnomAD v4.1: 11 of 1,610,258 alleles (0.00068%); highest among the groups gnomAD compares: African/African-American, 0.0067%; no homozygotes.

Submissions (4):

PreventionGenetics, part of Exact Sciences
Classification: Uncertain significance for PCDH15-related condition. Last evaluated: 2026-06-20. Review status: criteria provided, single submitter. Criteria: ACMG Guidelines, 2015. Collection method: clinical testing. Allele origin: germline.
Comment: The PCDH15 c.5416C>T variant is predicted to result in the amino acid substitution p.Pro1806Ser. To our knowledge, this variant has not been reported in the literature. This variant is reported in 0.0064% of alleles in individuals of African descent in gnomAD. At this time, the clinical significance of this variant is uncertain due to the absence of conclusive functional and genetic evidence.

GeneDx
Classification: Uncertain significance. Last evaluated: 2025-07-06. Review status: criteria provided, single submitter. Criteria: GeneDx Variant Classification Process June 2021. Collection method: clinical testing. Allele origin: germline. Affected: yes.
Comment: Not observed at significant frequency in large population cohorts (gnomAD); In silico analysis suggests that this missense variant does not alter protein structure/function; Has not been previously published as pathogenic or benign to our knowledge

Labcorp Genetics (formerly Invitae), Labcorp
Classification: Uncertain significance. Last evaluated: 2022-07-12. Review status: criteria provided, single submitter. Criteria: Invitae Variant Classification Sherloc (09022015). Collection method: clinical testing. Allele origin: germline.
Comment: This sequence change replaces proline, which is neutral and non-polar, with serine, which is neutral and polar, at codon 1806 of the PCDH15 protein (p.Pro1806Ser). This variant is present in population databases (rs750061228, gnomAD 0.007%). This variant has not been reported in the literature in individuals affected with PCDH15-related conditions. ClinVar contains an entry for this variant (Variation ID: 954494). Algorithms developed to predict the effect of missense changes on protein structure and function output the following: SIFT: "Tolerated"; PolyPhen-2: "Not Available"; Align-GVGD: "Class C0". The serine amino acid residue is found in multiple mammalian species, which suggests that this missense change does not adversely affect protein function. In summary, the available evidence is currently insufficient to determine the role of this variant in disease. Therefore, it has been classified as a Variant of Uncertain Significance.

Natera, Inc.
Classification: Uncertain significance for Usher syndrome type 1F. Last evaluated: 2021-09-17. Review status: no assertion criteria provided. Collection method: clinical testing. Allele origin: germline. Not counted in ClinVar's aggregate classification.